The following is an entry in ClinVar:

ClinVar aggregate classification (germline): Pathogenic (1 of 4 stars; one submission).

Conditions:
Spastic paraplegia. Identifiers: MedGen C0037772, HP:0001258.

Submission:

Labcorp Genetics (formerly Invitae), Labcorp
Classification: Pathogenic for Spastic paraplegia. Last evaluated: 2023-08-11. Review status: criteria provided, single submitter. Criteria: Invitae Variant Classification Sherloc (09022015). Collection method: clinical testing. Allele origin: germline.
Comment: This variant has not been reported in the literature in individuals affected with SACS-related conditions. This variant is not present in population databases (gnomAD no frequency). This sequence change creates a premature translational stop signal (p.Ile2407*) in the SACS gene. While this is not anticipated to result in nonsense mediated decay, it is expected to disrupt the last 2173 amino acid(s) of the SACS protein. This variant disrupts a region of the SACS protein in which other variant(s) (p.Tyr4538*) have been determined to be pathogenic (Invitae). This suggests that this is a clinically significant region of the protein, and that variants that disrupt it are likely to be disease-causing. ClinVar contains an entry for this variant (Variation ID: 1957872). For these reasons, this variant has been classified as Pathogenic.

NM_014363.6(SACS):c.7219_7220del (p.Ser2406_Ile2407insTer)

Gene: SACS (sacsin molecular chaperone; minus strand). Cytogenetic location: 13q12.12.
Variant type: Deletion.
Coding change: c.7219_7220del on transcript NM_014363.6 (MANE Select); coding-DNA positions 7219 to 7220, 2 bases deleted (AT; older notation c.7219_7220delAT).
Protein change: p.Ser2406_Ile2407insTer.
Molecular consequence: nonsense.
Genome position (GRCh38, 1-based): chr13:23,336,656-23,336,657, AT deleted on the plus strand (AT on the coding strand, the reverse complement: SACS is on the minus strand); deleting any 2 consecutive bases within chr13:23,336,656-23,336,658 gives the same sequence; the c. name uses the placement nearest the transcript's 3' end. VCF-style (leftmost placement, unchanged base first): chr13-23336655-AAT-A. GRCh37 (hg19) VCF-style: chr13-23910794-AAT-A.
Other names: c.6778_6779del, p.Ser2259_Ile2260insTer (NM_001278055.2).
Identifiers: ClinVar variation 1957872 (VCV001957872.5), dbSNP rs2542237400, ClinGen allele CA2580086924.